The following is an entry in ClinVar:

NM_001267550.2(TTN):c.101902C>A (p.Pro33968Thr)

Genes: TTN-AS1 (TTN antisense RNA 1; plus strand), TTN (titin; minus strand). Cytogenetic location: 2q31.2.
Variant type: single nucleotide variant.
Coding change: c.101902C>A on transcript NM_001267550.2 (MANE Select); coding-DNA position 101902, C replaced by A.
Protein change: p.Pro33968Thr; replaces proline 33968 with threonine.
Molecular consequence: missense variant.
Genome position (GRCh38, 1-based): chr2:178,534,713, G>T on the plus strand (C>A on the coding strand, the complement: TTN is on the minus strand). VCF-style: chr2-178534713-G-T. GRCh37 (hg19) VCF-style: chr2-179399440-G-T.
Other names: c.96979C>A, p.Pro32327Thr (NM_001256850.1); c.74707C>A, p.Pro24903Thr (NM_003319.4); c.94198C>A, p.Pro31400Thr (NM_133378.4); c.75082C>A, p.Pro25028Thr (NM_133432.3); c.75283C>A, p.Pro25095Thr (NM_133437.4); short protein forms P25095T, P33968T, P31400T, P25028T, P32327T, P24903T.
Identifiers: ClinVar variation 2131521 (VCV002131521.4), dbSNP rs2468545960, ClinGen allele CA349419022.

ClinVar aggregate classification (germline): Uncertain significance (1 of 4 stars; one submission).

Conditions:
Dilated cardiomyopathy 1G (CMD1G). Identifiers: Orphanet 154, MedGen C1858763, MONDO:0011400, OMIM 604145.
Autosomal recessive limb-girdle muscular dystrophy type 2J (LGMDR10). Also called: MUSCULAR DYSTROPHY, LIMB-GIRDLE, AUTOSOMAL RECESSIVE 10; Limb-girdle muscular dystrophy, type 2J. Identifiers: Orphanet 140922, MedGen C1837342, MONDO:0012127, OMIM 608807.

Submission:

Labcorp Genetics (formerly Invitae), Labcorp
Classification: Uncertain significance for Dilated cardiomyopathy 1G; Autosomal recessive limb-girdle muscular dystrophy type 2J. Last evaluated: 2022-04-28. Review status: criteria provided, single submitter. Criteria: Invitae Variant Classification Sherloc (09022015). Collection method: clinical testing. Allele origin: germline.
Comment: This variant is located in the M band of TTN (PMID: 25589632). Variants in this region may be relevant for neuromuscular disorders, but have not been definitively shown to cause cardiomyopathy (PMID: 23975875). In summary, the available evidence is currently insufficient to determine the role of this variant in disease. Therefore, it has been classified as a Variant of Uncertain Significance. Experimental studies and prediction algorithms are not available or were not evaluated, and the functional significance of this variant is currently unknown. This variant has not been reported in the literature in individuals affected with TTN-related conditions. This variant is not present in population databases (gnomAD no frequency). This sequence change replaces proline, which is neutral and non-polar, with threonine, which is neutral and polar, at codon 33968 of the TTN protein (p.Pro33968Thr).

Literature cited by the submitters: PubMed 25589632; PubMed 23975875.